The following is an entry in ClinVar:

NM_000419.5(ITGA2B):c.1973del (p.Ala658fs)

Gene: ITGA2B (integrin subunit alpha 2b; minus strand). Cytogenetic location: 17q21.31.
Variant type: Deletion.
Coding change: c.1973del on transcript NM_000419.5 (MANE Select); coding-DNA position 1973, one base deleted (C; older notation c.1973delC).
Protein change: p.Ala658fs; shifts the reading frame from alanine 658.
Molecular consequence: frameshift variant.
Genome position (GRCh38, 1-based): chr17:44,378,483, G deleted on the plus strand (C on the coding strand, the reverse complement: ITGA2B is on the minus strand). VCF-style (leftmost placement, unchanged base first): chr17-44378482-TG-T. GRCh37 (hg19) VCF-style: chr17-42455850-TG-T.
Other names: NM_000419.5(ITGA2B):c.1973del; p.Ala658fs; c.1973del (LRG_479t1); short protein forms A658fs.
Identifiers: ClinVar variation 627027 (VCV000627027.2), dbSNP rs1598378490, ClinGen allele CA915940791.
Genomic context (GRCh38, chr17:44,378,482, plus strand): 5'-TGCTTCATAGGCCCCCTCGCCCTCGTTGGCTGCGTCCATCTGCAGCTCCAGGACATTATC[TG>T]CCCCAACTAGGAGCGGGGAGCCCGTCCTGTGGGGAAAGAGGAGTGAAGCCAGGGAGCCTG-3'

ClinVar aggregate classification (germline): Likely pathogenic. Review status: reviewed by expert panel (3 of 4 stars). 2 submissions from 2 submitters: Likely pathogenic (1). 1 of the submissions does not count toward it. Last evaluated 2024-05-02.

Conditions:
Glanzmann thrombasthenia. Also called: BLEEDING DISORDER, PLATELET-TYPE, 2; THROMBASTHENIA OF GLANZMANN AND NAEGELI; Thrombasthenia; PLATELET GLYCOPROTEIN IIb-IIIa DEFICIENCY; Glanzmann's thrombasthenia. Identifiers: Orphanet 849, MedGen C0040015, MONDO:0100326.
Abnormal platelet aggregation. Identifiers: MedGen C0541767, HP:0030402.

Allele frequency attached by ClinVar (database versions not stated): gnomAD exomes below 0.00001.

Submissions (2):

ClinGen Platelet Disorders Variant Curation Expert Panel, ClinGen
Classification: Likely pathogenic for Glanzmann thrombasthenia. Last evaluated: 2024-05-02. Review status: reviewed by expert panel. Criteria: ClinGen Platelet ACMG Specifications v2-1. Collection method: curation. Allele origin: germline. Inheritance: Autosomal recessive inheritance.
Comment: The frameshift variant NM_000419.5(ITGA2B):c.1973del (p.Ala658GlufsTer?) has been reported in one individual with a disorder of platelet function, (TGP0048 in PMID:31064749). Communication with the authors confirmed a diagnosis of Glanzmann thrombasthenia. The patient had impaired platelet aggregation and prolonged bleeding after dental extraction. This individual, TGP0048, is compound heterozygous for this frameshift variant and a variant of uncertain significance (NM_000419.5(ITGA2B):c.188+5G>T). The c.1973del frameshift variant causes a premature stop codon in exon 20/30, which is predicted to undergo nonsense mediated decay in a disease that is loss of function (PVS1). The highest population minor allele frequency in gnomAD v4.0.0 is 0.00006335 (1/15786 alleles) in the African/African American population, which is lower than the ClinGen PD VCEP threshold (<0.0001; PM2_Supporting). In summary, this variant meets the criteria to be classified as Likely Pathogenic for autosomal recessive Glanzmann Thrombasthenia based on the ACMG/AMP criteria applied, as specified by the ClinGen PD VCEP: PVS1 and PM2_supporting (VCEP specifications version 2.1.0).

NIHR Bioresource Rare Diseases, University of Cambridge
Classification: Likely pathogenic for Abnormal platelet aggregation. Last evaluated: 2019-02-01. Review status: criteria provided, single submitter. Criteria: ACMG Guidelines, 2015. Collection method: research. Allele origin: unknown. Affected: yes. Observed: 1 compound heterozygote. Study: ThromboGenomics. Not counted in ClinVar's aggregate classification.

Literature cited by the submitters: PubMed 31064749 (cited by NIHR Bioresource Rare Diseases, University of Cambridge).